The following is an entry in ClinVar:

ClinVar aggregate classification (germline): Pathogenic (1 of 4 stars; one submission).

Submission:

Labcorp Genetics (formerly Invitae), Labcorp
Classification: Pathogenic. Last evaluated: 2023-06-14. Review status: criteria provided, single submitter. Criteria: Invitae Variant Classification Sherloc (09022015). Collection method: clinical testing. Allele origin: germline.
Comment: This sequence change creates a premature translational stop signal (p.Tyr2042Leufs*34) in the MYO7A gene. It is expected to result in an absent or disrupted protein product. Loss-of-function variants in MYO7A are known to be pathogenic (PMID: 8900236, 25404053). This variant is not present in population databases (gnomAD no frequency). This variant has not been reported in the literature in individuals affected with MYO7A-related conditions. For these reasons, this variant has been classified as Pathogenic.

Literature cited by the submitters: PubMed 8900236; PubMed 25404053.

NM_000260.4(MYO7A):c.6124dup (p.Tyr2042fs)

Gene: MYO7A (myosin VIIA; plus strand). Cytogenetic location: 11q13.5.
Variant type: Duplication.
Coding change: c.6124dup on transcript NM_000260.4 (MANE Select); coding-DNA position 6124, one base duplicated (T; older notation c.6124dupT).
Protein change: p.Tyr2042fs; shifts the reading frame from tyrosine 2042.
Molecular consequence: frameshift variant.
Genome position (GRCh38, 1-based): chr11:77,211,224, T duplicated. VCF-style (leftmost placement, unchanged base first): chr11-77211223-C-CT. GRCh37 (hg19) VCF-style: chr11-76922268-C-CT.
Other names: c.6010dup, p.Tyr2004fs (NM_001127180.2); c.5977dup, p.Tyr1993fs (NM_001369365.1); short protein forms Y1993fs, Y2042fs, Y2004fs.
Identifiers: ClinVar variation 2980027 (VCV002980027.3), dbSNP rs2497799781, ClinGen allele CA2740093151.